The following is an entry in ClinVar:

ClinVar aggregate classification (germline): Likely pathogenic (1 of 4 stars; one submission).

Conditions:
Nemaline myopathy 2 (NEM2). Also called: Nemaline myopathy 2, autosomal recessive. Identifiers: MedGen C1850569, MONDO:0009725, OMIM 256030.

Allele frequency attached by ClinVar (database versions not stated): TOPMed 0.00001.

Submission:

Labcorp Genetics (formerly Invitae), Labcorp
Classification: Likely pathogenic for Nemaline myopathy 2. Last evaluated: 2023-10-27. Review status: criteria provided, single submitter. Criteria: Invitae Variant Classification Sherloc (09022015). Collection method: clinical testing. Allele origin: germline.
Comment: This sequence change affects a donor splice site in intron 15 of the NEB gene. It is expected to disrupt RNA splicing. Variants that disrupt the donor or acceptor splice site typically lead to a loss of protein function (PMID: 16199547), and loss-of-function variants in NEB are known to be pathogenic (PMID: 25205138). This variant is not present in population databases (gnomAD no frequency). This variant has not been reported in the literature in individuals affected with NEB-related conditions. ClinVar contains an entry for this variant (Variation ID: 2056681). Algorithms developed to predict the effect of sequence changes on RNA splicing suggest that this variant may disrupt the consensus splice site. In summary, the currently available evidence indicates that the variant is pathogenic, but additional data are needed to prove that conclusively. Therefore, this variant has been classified as Likely Pathogenic.

Literature cited by the submitters: PubMed 16199547; PubMed 25205138.

NM_001164508.2(NEB):c.1365+1G>T

Gene: NEB (nebulin; minus strand). Cytogenetic location: 2q23.3.
Variant type: single nucleotide variant.
Coding change: c.1365+1G>T on transcript NM_001164508.2 (MANE Select); the canonical splice donor site of the intron after coding-DNA position 1365, G replaced by T.
Molecular consequence: splice donor variant.
Genome position (GRCh38, 1-based): chr2:151,697,349, C>A on the plus strand (G>T on the coding strand, the complement: NEB is on the minus strand). VCF-style: chr2-151697349-C-A. GRCh37 (hg19) VCF-style: chr2-152553863-C-A.
Other names: c.1365+1G>T (NM_004543.5, NM_001164507.2, NM_001271208.2).
Identifiers: ClinVar variation 2056681 (VCV002056681.4), dbSNP rs1379418184, ClinGen allele CA348825541.